The following is an entry in ClinVar:

NM_004793.4(LONP1):c.2069A>T (p.Lys690Met)

Gene: LONP1 (lon peptidase 1, mitochondrial; minus strand). Cytogenetic location: 19p13.3.
Variant type: single nucleotide variant.
Coding change: c.2069A>T on transcript NM_004793.4 (MANE Select); coding-DNA position 2069, A replaced by T.
Protein change: p.Lys690Met; replaces lysine 690 with methionine.
Molecular consequence: missense variant. On other transcripts: non-coding transcript variant (1).
Genome position (GRCh38, 1-based): chr19:5,694,846, T>A on the plus strand (A>T on the coding strand, the complement: LONP1 is on the minus strand). VCF-style: chr19-5694846-T-A. GRCh37 (hg19) VCF-style: chr19-5694857-T-A.
Other names: c.1877A>T, p.Lys626Met (NM_001276479.2); c.1481A>T, p.Lys494Met (NM_001276480.1); short protein forms K494M, K626M, K690M.
Identifiers: ClinVar variation 1713764 (VCV001713764.5), dbSNP rs1420221301, ClinGen allele CA403528227.

ClinVar aggregate classification (germline): Uncertain significance (1 of 4 stars; one submission).

Submission:

Labcorp Genetics (formerly Invitae), Labcorp
Classification: Uncertain significance. Last evaluated: 2024-02-23. Review status: criteria provided, single submitter. Criteria: Invitae Variant Classification Sherloc (09022015). Collection method: clinical testing. Allele origin: germline.
Comment: This sequence change replaces lysine, which is basic and polar, with methionine, which is neutral and non-polar, at codon 690 of the LONP1 protein (p.Lys690Met). This variant is not present in population databases (gnomAD no frequency). This variant has not been reported in the literature in individuals affected with LONP1-related conditions. ClinVar contains an entry for this variant (Variation ID: 1713764). Advanced modeling of protein sequence and biophysical properties (such as structural, functional, and spatial information, amino acid conservation, physicochemical variation, residue mobility, and thermodynamic stability) performed at Invitae indicates that this missense variant is not expected to disrupt LONP1 protein function with a negative predictive value of 80%. In summary, the available evidence is currently insufficient to determine the role of this variant in disease. Therefore, it has been classified as a Variant of Uncertain Significance.